The following is an entry in ClinVar:

ClinVar aggregate classification (germline): Likely benign (1 of 4 stars; one submission).

Conditions:
CHST11-related disorder. Also called: CHST11-related condition.

gnomAD v4.1: 104 of 1,614,052 alleles (0.0064%); highest among the groups gnomAD compares: East Asian, 0.19%; no homozygotes.

Submission:

PreventionGenetics, part of Exact Sciences
Classification: Likely benign for CHST11-related condition. Last evaluated: 2025-11-10. Review status: criteria provided, single submitter. Criteria: ACMG Guidelines, 2015. Collection method: clinical testing. Allele origin: germline.
Comment: This variant is classified as likely benign based on ACMG/AMP sequence variant interpretation guidelines (Richards et al. 2015 PMID: 25741868, with internal and published modifications).

NM_018413.6(CHST11):c.475G>A (p.Ala159Thr)

Gene: CHST11 (carbohydrate sulfotransferase 11; plus strand). Cytogenetic location: 12q23.3.
Variant type: single nucleotide variant.
Coding change: c.475G>A on transcript NM_018413.6 (MANE Select); coding-DNA position 475, G replaced by A.
Protein change: p.Ala159Thr; replaces alanine 159 with threonine.
Molecular consequence: missense variant.
Genome position (GRCh38, 1-based): chr12:104,757,219, G>A. VCF-style: chr12-104757219-G-A. GRCh37 (hg19) VCF-style: chr12-105150997-G-A.
Other names: c.460G>A, p.Ala154Thr (NM_001173982.2); short protein forms A159T, A154T.
Identifiers: ClinVar variation 4977485 (VCV004977485.1).
Genomic context (GRCh38, chr12:104,757,219, plus strand): 5'-ACCGGGCGGGGGAAGTACAGCGACCCCATGGAGATCCCGGCCAACGAGGCACACGTCTCC[G>A]CCAACCTGAAGACCCTGAACCAGTACAGCATCCCAGAAATCAACCACCGCTTGAAAAGCT-3'
Protein context (NP_060883.1, residues 149-169): EIPANEAHVS[Ala159Thr]NLKTLNQYSI